The following is an entry in ClinVar:

NM_000455.5(STK11):c.969A>G (p.Pro323=)

Gene: STK11 (serine/threonine kinase 11; plus strand). Cytogenetic location: 19p13.3.
Variant type: single nucleotide variant.
Coding change: c.969A>G on transcript NM_000455.5 (MANE Select); coding-DNA position 969, A replaced by G.
Protein change: p.Pro323=; no amino-acid change (proline 323 retained).
Molecular consequence: synonymous variant.
Genome position (GRCh38, 1-based): chr19:1,223,033, A>G. VCF-style: chr19-1223033-A-G. GRCh37 (hg19) VCF-style: chr19-1223032-A-G.
Identifiers: ClinVar variation 922150 (VCV000922150.14), dbSNP rs1399205535, ClinGen allele CA504707746.

ClinVar aggregate classification (germline): Benign/Likely benign. Review status: criteria provided, multiple submitters, no conflicts (2 of 4 stars). 4 submissions from 4 submitters: Benign (1); Likely benign (3). Last evaluated 2025-11-05.

Conditions:
Hereditary cancer-predisposing syndrome. Also called: Hereditary Cancer Syndrome; Hereditary neoplastic syndrome; Neoplastic Syndromes, Hereditary; Tumor predisposition. Identifiers: Orphanet 140162, MedGen C0027672, MeSH D009386, MONDO:0015356.
Peutz-Jeghers syndrome (PJS). Also called: POLYPOSIS, HAMARTOMATOUS INTESTINAL; POLYPS-AND-SPOTS SYNDROME; Peutz-Jeghers polyposis; Periorificial lentiginosis syndrome. Identifiers: Orphanet 2869, MedGen C0031269, MeSH D010580, MONDO:0008280, OMIM 175200.

Allele frequency attached by ClinVar (database versions not stated): gnomAD 0.00001; TOPMed 0.00001.
gnomAD v4.1: 1 of 1,593,350 alleles (0.000063%); highest among the groups gnomAD compares: Non-Finnish European, 0.000085%; no homozygotes.

Submissions (4):

Labcorp Genetics (formerly Invitae), Labcorp
Classification: Likely benign for Peutz-Jeghers syndrome. Last evaluated: 2025-11-05. Review status: criteria provided, single submitter. Criteria: Invitae Variant Classification Sherloc (09022015). Collection method: clinical testing. Allele origin: germline.

Myriad Genetics, Inc.
Classification: Benign for Peutz-Jeghers syndrome. Last evaluated: 2025-03-28. Review status: criteria provided, single submitter. Criteria: Myriad Autosomal Dominant, Autosomal Recessive and X-Linked Classification Criteria (2023). Collection method: clinical testing. Allele origin: unknown.
Comment: This variant is considered benign. This variant is a silent/synonymous amino acid change and it is not expected to impact splicing.

Ambry Genetics
Classification: Likely benign for Hereditary cancer-predisposing syndrome. Last evaluated: 2022-04-22. Review status: criteria provided, single submitter. Criteria: Ambry Variant Classification Scheme 2023. Collection method: clinical testing. Allele origin: germline.

Color Diagnostics, LLC DBA Color Health
Classification: Likely benign for Hereditary cancer-predisposing syndrome. Last evaluated: 2018-11-20. Review status: criteria provided, single submitter. Criteria: ACMG Guidelines, 2015. Collection method: clinical testing. Allele origin: germline.